The following is an entry in ClinVar:

ClinVar aggregate classification (germline): Uncertain significance (1 of 4 stars; one submission).

Submission:

GeneDx
Classification: Uncertain significance. Last evaluated: 2023-12-11. Review status: criteria provided, single submitter. Criteria: GeneDx Variant Classification Process June 2021. Collection method: clinical testing. Allele origin: germline. Affected: yes.
Comment: Not observed at significant frequency in large population cohorts (gnomAD); In silico analysis supports that this missense variant has a deleterious effect on protein structure/function; Has not been previously published as pathogenic or benign to our knowledge

NM_001378183.1(PIEZO2):c.7550T>G (p.Met2517Arg)

Gene: PIEZO2 (piezo type mechanosensitive ion channel component 2; minus strand). Cytogenetic location: 18p11.22.
Variant type: single nucleotide variant.
Coding change: c.7550T>G on transcript NM_001378183.1 (MANE Select); coding-DNA position 7550, T replaced by G.
Protein change: p.Met2517Arg; replaces methionine 2517 with arginine.
Molecular consequence: missense variant.
Genome position (GRCh38, 1-based): chr18:10,682,240, A>C on the plus strand (T>G on the coding strand, the complement: PIEZO2 is on the minus strand). VCF-style: chr18-10682240-A-C. GRCh37 (hg19) VCF-style: chr18-10682237-A-C.
Other names: c.7286T>G, p.Met2429Arg (NM_001410871.1); c.7211T>G, p.Met2404Arg (NM_022068.4); short protein forms M2404R, M2429R, M2517R.
Identifiers: ClinVar variation 3253404 (VCV003253404.1), dbSNP rs2510238565.